The following is an entry in ClinVar:

NM_001023570.4(IQCB1):c.759C>A (p.Cys253Ter)

Gene: IQCB1 (IQ motif containing B1; minus strand). Cytogenetic location: 3q13.33.
Variant type: single nucleotide variant.
Coding change: c.759C>A on transcript NM_001023570.4 (MANE Select); coding-DNA position 759, C replaced by A.
Protein change: p.Cys253Ter; replaces cysteine 253 with a stop codon.
Molecular consequence: nonsense. On other transcripts: non-coding transcript variant (1), intron variant (1).
Genome position (GRCh38, 1-based): chr3:121,799,203, G>T on the plus strand (C>A on the coding strand, the complement: IQCB1 is on the minus strand). VCF-style: chr3-121799203-G-T. GRCh37 (hg19) VCF-style: chr3-121518050-G-T.
Other names: c.759C>A, p.Cys253Ter (NM_001319107.2); c.587+8141C>A (NM_001023571.4); short protein forms C253*.
Identifiers: ClinVar variation 1953593 (VCV001953593.5), dbSNP rs2472432421, ClinGen allele CA354101394.

ClinVar aggregate classification (germline): Pathogenic (1 of 4 stars; one submission).

Conditions:
Nephronophthisis. Also called: Juvenile Nephronophthisis. Identifiers: Orphanet 655, MedGen C0687120, MONDO:0019005, HP:0000090.

Submission:

Labcorp Genetics (formerly Invitae), Labcorp
Classification: Pathogenic for Nephronophthisis. Last evaluated: 2022-03-09. Review status: criteria provided, single submitter. Criteria: Invitae Variant Classification Sherloc (09022015). Collection method: clinical testing. Allele origin: germline.
Comment: For these reasons, this variant has been classified as Pathogenic. This variant has not been reported in the literature in individuals affected with IQCB1-related conditions. This variant is not present in population databases (gnomAD no frequency). This sequence change creates a premature translational stop signal (p.Cys253*) in the IQCB1 gene. It is expected to result in an absent or disrupted protein product. Loss-of-function variants in IQCB1 are known to be pathogenic (PMID: 15723066, 21901789, 23559409, 28041643).

Literature cited by the submitters: PubMed 15723066; PubMed 21901789; PubMed 23559409; PubMed 28041643.